The following is an entry in ClinVar:

ClinVar aggregate classification (germline): Uncertain significance (1 of 4 stars; one submission).

Conditions:
Fanconi anemia (FA). Also called: Fanconi's anemia. Identifiers: Orphanet 84, MedGen C0015625, MeSH D005199, MONDO:0019391.

Allele frequency attached by ClinVar (database versions not stated): gnomAD exomes below 0.00001.
gnomAD v4.1: 4 of 1,614,214 alleles (0.00025%); highest among the groups gnomAD compares: Non-Finnish European, 0.00025%; no homozygotes.

Submission:

Labcorp Genetics (formerly Invitae), Labcorp
Classification: Uncertain significance for Fanconi anemia. Last evaluated: 2025-06-16. Review status: criteria provided, single submitter. Criteria: Invitae Variant Classification Sherloc (09022015). Collection method: clinical testing. Allele origin: germline.
Comment: This sequence change replaces glutamine, which is neutral and polar, with histidine, which is basic and polar, at codon 104 of the SLX4 protein (p.Gln104His). This variant is present in population databases (no rsID available, gnomAD no frequency). This variant has not been reported in the literature in individuals affected with SLX4-related conditions. ClinVar contains an entry for this variant (Variation ID: 1953460). An algorithm developed to predict the effect of missense changes on protein structure and function outputs the following: PolyPhen-2: "Possibly Damaging". The histidine amino acid residue is found in multiple mammalian species, which suggests that this missense change does not adversely affect protein function. In summary, the available evidence is currently insufficient to determine the role of this variant in disease. Therefore, it has been classified as a Variant of Uncertain Significance.

NM_032444.4(SLX4):c.312A>C (p.Gln104His)

Gene: SLX4 (SLX4 structure-specific endonuclease subunit; minus strand). Cytogenetic location: 16p13.3.
Variant type: single nucleotide variant.
Coding change: c.312A>C on transcript NM_032444.4 (MANE Select); coding-DNA position 312, A replaced by C.
Protein change: p.Gln104His; replaces glutamine 104 with histidine.
Molecular consequence: missense variant.
Genome position (GRCh38, 1-based): chr16:3,608,653, T>G on the plus strand (A>C on the coding strand, the complement: SLX4 is on the minus strand). VCF-style: chr16-3608653-T-G. GRCh37 (hg19) VCF-style: chr16-3658654-T-G.
Other names: short protein forms Q104H.
Identifiers: ClinVar variation 1953460 (VCV001953460.4), dbSNP rs1417050698, ClinGen allele CA394547489.
Genomic context (GRCh38, chr16:3,608,653, plus strand): 5'-CCTTTGCTTTTTAGTCCTAGGGGCCTGGCTGCCAGACGGAGGTTTCTTCTCTGCAGGGCC[T>G]TGAAGGGTTTTGGTCTTGGTAGCAGTTTGTTTGGTCCTTTTCAATTTGCTTCTTATCTGA-3'
Protein context (NP_115820.2, residues 94-114): KQTATKTKTL[Gln104His]GPAEKKPPSG